The following is an entry in ClinVar:

NM_000023.4(SGCA):c.257C>T (p.Pro86Leu)

Gene: SGCA (sarcoglycan alpha; plus strand). Cytogenetic location: 17q21.33.
Variant type: single nucleotide variant.
Coding change: c.257C>T on transcript NM_000023.4 (MANE Select); coding-DNA position 257, C replaced by T.
Protein change: p.Pro86Leu; replaces proline 86 with leucine.
Molecular consequence: missense variant. On other transcripts: non-coding transcript variant (1).
Genome position (GRCh38, 1-based): chr17:50,167,681, C>T. VCF-style: chr17-50167681-C-T. GRCh37 (hg19) VCF-style: chr17-48245042-C-T.
Other names: c.257C>T, p.Pro86Leu (NM_001135697.3); short protein forms P86L.
Identifiers: ClinVar variation 1372130 (VCV001372130.5), dbSNP rs2144494380, ClinGen allele CA400177688.

ClinVar aggregate classification (germline): Uncertain significance (1 of 4 stars; one submission).

Conditions:
Autosomal recessive limb-girdle muscular dystrophy type 2D (LGMDR3). Also called: DUCHENNE-LIKE AUTOSOMAL RECESSIVE MUSCULAR DYSTROPHY, TYPE 2; ADHALINOPATHY, PRIMARY; MUSCULAR DYSTROPHY, LIMB-GIRDLE, AUTOSOMAL RECESSIVE 3. Identifiers: Orphanet 62, MedGen C2936332, MONDO:0011968, OMIM 608099. Disease mechanism: Affects gamma-sarcoglycan and also disrupts the integrity of the entire sarcoglycan complex..

Submission:

Labcorp Genetics (formerly Invitae), Labcorp
Classification: Uncertain significance for Autosomal recessive limb-girdle muscular dystrophy type 2D. Last evaluated: 2021-08-28. Review status: criteria provided, single submitter. Criteria: Invitae Variant Classification Sherloc (09022015). Collection method: clinical testing. Allele origin: germline.
Comment: This sequence change replaces proline with leucine at codon 86 of the SGCA protein (p.Pro86Leu). The proline residue is weakly conserved and there is a moderate physicochemical difference between proline and leucine. This variant is not present in population databases (ExAC no frequency). This variant has not been reported in the literature in individuals affected with SGCA-related conditions. Advanced modeling of protein sequence and biophysical properties (such as structural, functional, and spatial information, amino acid conservation, physicochemical variation, residue mobility, and thermodynamic stability) performed at Invitae indicates that this missense variant is expected to disrupt SGCA protein function. In summary, the available evidence is currently insufficient to determine the role of this variant in disease. Therefore, it has been classified as a Variant of Uncertain Significance.